The following is an entry in ClinVar:

ClinVar aggregate classification (germline): Likely benign. Review status: criteria provided, single submitter (1 of 4 stars). 2 submissions from 2 submitters: Likely benign (1). 1 of the submissions does not count toward it. Last evaluated 2025-11-11.

Conditions:
SLC51B-related disorder. Also called: SLC51B-related condition.

Allele frequency attached by ClinVar (database versions not stated): ExAC 0.00001; gnomAD 0.00001; TOPMed 0.00002; gnomAD exomes 0.00003.
gnomAD v4.1: 38 of 1,613,748 alleles (0.0024%); highest among the groups gnomAD compares: Non-Finnish European, 0.0031%; no homozygotes.

Submissions (2):

Labcorp Genetics (formerly Invitae), Labcorp
Classification: Likely benign. Last evaluated: 2025-11-11. Review status: criteria provided, single submitter. Criteria: Invitae Variant Classification Sherloc (09022015). Collection method: clinical testing. Allele origin: germline.

PreventionGenetics, part of Exact Sciences
Classification: Likely benign for SLC51B-related condition. Last evaluated: 2022-08-26. Review status: no assertion criteria provided. Collection method: clinical testing. Allele origin: germline. Not counted in ClinVar's aggregate classification.
Comment: This variant is classified as likely benign based on ACMG/AMP sequence variant interpretation guidelines (Richards et al. 2015 PMID: 25741868, with internal and published modifications).

NM_178859.4(SLC51B):c.381G>A (p.Glu127=)

Genes: RASL12 (RAS like family 12; minus strand), SLC51B (SLC51 subunit beta; plus strand). Cytogenetic location: 15q22.31.
Variant type: single nucleotide variant.
Coding change: c.381G>A on transcript NM_178859.4 (MANE Select); coding-DNA position 381, G replaced by A.
Protein change: p.Glu127=; no amino-acid change (glutamic acid 127 retained).
Molecular consequence: synonymous variant.
Genome position (GRCh38, 1-based): chr15:65,053,158, G>A. VCF-style: chr15-65053158-G-A. GRCh37 (hg19) VCF-style: chr15-65345496-G-A.
Other names: c.381G>A (NM_178859.3).
Identifiers: ClinVar variation 2421906 (VCV002421906.9), dbSNP rs752749624, ClinGen allele CA7613537.